The following is an entry in ClinVar:

ClinVar aggregate classification (germline): Likely benign. Review status: criteria provided, multiple submitters, no conflicts (2 of 4 stars). 2 submissions from 2 submitters: Likely benign (2). Last evaluated 2026-05-04.

Conditions:
CDH23-related disorder. Also called: CDH23-related condition; CDH23-related disorders.

Allele frequency attached by ClinVar (database versions not stated): gnomAD exomes 0.00002 and 0.00003; TOPMed 0.00002; ExAC 0.00003; gnomAD 0.00003.
gnomAD v4.1: 41 of 1,613,326 alleles (0.0025%); highest among the groups gnomAD compares: Non-Finnish European, 0.0031%; no homozygotes.

Submissions (2):

PreventionGenetics, part of Exact Sciences
Classification: Likely benign for CDH23-related condition. Last evaluated: 2026-05-04. Review status: criteria provided, single submitter. Criteria: ACMG Guidelines, 2015. Collection method: clinical testing. Allele origin: germline.
Comment: This variant is classified as likely benign based on ACMG/AMP sequence variant interpretation guidelines (Richards et al. 2015 PMID: 25741868, with internal and published modifications).

Labcorp Genetics (formerly Invitae), Labcorp
Classification: Likely benign. Last evaluated: 2025-11-27. Review status: criteria provided, single submitter. Criteria: Invitae Variant Classification Sherloc (09022015). Collection method: clinical testing. Allele origin: germline.

NM_022124.6(CDH23):c.3225C>T (p.Asn1075=)

Genes: C10orf105 (chromosome 10 open reading frame 105; minus strand), CDH23 (cadherin related 23; plus strand). Cytogenetic location: 10q22.1.
Variant type: single nucleotide variant.
Coding change: c.3225C>T on transcript NM_022124.6 (MANE Select); coding-DNA position 3225, C replaced by T.
Protein change: p.Asn1075=; no amino-acid change (asparagine 1075 retained).
Molecular consequence: synonymous variant. On other transcripts: 3 prime UTR variant (2).
Genome position (GRCh38, 1-based): chr10:71,712,669, C>T. VCF-style: chr10-71712669-C-T. GRCh37 (hg19) VCF-style: chr10-73472426-C-T.
Other names: c.*3267G>A (NM_001164375.3, NM_001168390.2); c.3225C>T, p.Asn1075= (NM_001171930.2); c.3225C>T (NM_022124.5).
Identifiers: ClinVar variation 1124557 (VCV001124557.10), dbSNP rs767680481, ClinGen allele CA5544531.